The following is an entry in ClinVar:

ClinVar aggregate classification (germline): Uncertain significance. Review status: criteria provided, multiple submitters, no conflicts (2 of 4 stars). 2 submissions from 2 submitters: Uncertain significance (2). Last evaluated 2025-12-23.

gnomAD v4.1: 60 of 1,611,860 alleles (0.0037%); highest among the groups gnomAD compares: African/African-American, 0.0053%; no homozygotes.

Submissions (2):

Labcorp Genetics (formerly Invitae), Labcorp
Classification: Uncertain significance. Last evaluated: 2025-12-23. Review status: criteria provided, single submitter. Criteria: Invitae Variant Classification Sherloc (09022015). Collection method: clinical testing. Allele origin: germline.
Comment: This sequence change replaces tryptophan, which is neutral and slightly polar, with leucine, which is neutral and non-polar, at codon 904 of the NUP133 protein (p.Trp904Leu). The frequency data for this variant in the population databases is considered unreliable, as metrics indicate poor data quality at this position in the gnomAD database. This variant has not been reported in the literature in individuals affected with NUP133-related conditions. ClinVar contains an entry for this variant (Variation ID: 3408600). An algorithm developed to predict the effect of missense changes on protein structure and function (PolyPhen-2) suggests that this variant is likely to be disruptive. In summary, the available evidence is currently insufficient to determine the role of this variant in disease. Therefore, it has been classified as a Variant of Uncertain Significance.

Ambry Genetics
Classification: Uncertain significance. Last evaluated: 2024-10-08. Review status: criteria provided, single submitter. Criteria: Ambry Variant Classification Scheme 2023. Collection method: clinical testing. Allele origin: germline.

NM_018230.3(NUP133):c.2711G>T (p.Trp904Leu)

Gene: NUP133 (nucleoporin 133; minus strand). Cytogenetic location: 1q42.13.
Variant type: single nucleotide variant.
Coding change: c.2711G>T on transcript NM_018230.3 (MANE Select); coding-DNA position 2711, G replaced by T.
Protein change: p.Trp904Leu; replaces tryptophan 904 with leucine.
Molecular consequence: missense variant.
Genome position (GRCh38, 1-based): chr1:229,460,744, C>A on the plus strand (G>T on the coding strand, the complement: NUP133 is on the minus strand). VCF-style: chr1-229460744-C-A. GRCh37 (hg19) VCF-style: chr1-229596491-C-A.
Other names: short protein forms W904L.
Identifiers: ClinVar variation 3408600 (VCV003408600.2).
Genomic context (GRCh38, chr1:229,460,744, plus strand): 5'-TGTCCATGCTGAGAAATGGGCTGAGATAATAATTTGCCTCGCTTTCCTTTCTCCAGATAC[C>A]AACGGAAGAGAAAGTCTGAAAAATTCTACAAATAACAGAACATAGAATTCATTCATAATA-3'
Protein context (NP_060700.2, residues 894-914): DQNFSDFLFR[Trp904Leu]YLEKGKRGKL